The following is an entry in ClinVar:

ClinVar aggregate classification (germline): Uncertain significance (1 of 4 stars; one submission).

Conditions:
Hereditary cancer-predisposing syndrome. Also called: Neoplastic Syndromes, Hereditary; Tumor predisposition; Hereditary neoplastic syndrome; Hereditary Cancer Syndrome. Identifiers: Orphanet 140162, MedGen C0027672, MeSH D009386, MONDO:0015356.

Submission:

Ambry Genetics
Classification: Uncertain significance for Hereditary cancer-predisposing syndrome. Last evaluated: 2026-07-06. Review status: criteria provided, single submitter. Criteria: Ambry Variant Classification Scheme 2023. Collection method: clinical testing. Allele origin: germline.
Comment: The p.L158V variant (also known as c.472C>G), located in coding exon 6 of the SDHC gene, results from a C to G substitution at nucleotide position 472. The leucine at codon 158 is replaced by valine, an amino acid with highly similar properties. This amino acid position is conserved. In addition, the in silico prediction for this alteration is inconclusive. Based on the available evidence, the clinical significance of this variant remains unclear.

NM_003001.5(SDHC):c.472C>G (p.Leu158Val)

Gene: SDHC (succinate dehydrogenase complex subunit C; plus strand). Cytogenetic location: 1q23.3.
Variant type: single nucleotide variant.
Coding change: c.472C>G on transcript NM_003001.5 (MANE Select); coding-DNA position 472, C replaced by G.
Protein change: p.Leu158Val; replaces leucine 158 with valine.
Molecular consequence: missense variant. On other transcripts: non-coding transcript variant (1).
Genome position (GRCh38, 1-based): chr1:161,362,395, C>G. VCF-style: chr1-161362395-C-G. GRCh37 (hg19) VCF-style: chr1-161332185-C-G.
Other names: c.313C>G, p.Leu105Val (NM_001035513.3); c.206C>G, p.Ser69Cys (NM_001278172.3); c.592C>G, p.Leu198Val (NM_001407115.1); c.415C>G, p.Leu139Val (NM_001407116.1); c.409C>G, p.Leu137Val (NM_001407117.1); c.364C>G, p.Leu122Val (NM_001407118.1); c.361C>G, p.Leu121Val (NM_001407119.1, NM_001407120.1); c.251C>G, p.Ser84Cys (NM_001407121.1); and 2 more; short protein forms L158V, L122V, L124V, L137V, S84C, L105V, L121V, L198V.
Identifiers: ClinVar variation 5029294 (VCV005029294.1).